The following is an entry in ClinVar:

NM_139278.4(LGI3):c.974G>A (p.Arg325His)

Gene: LGI3 (leucine rich repeat LGI family member 3; minus strand). Cytogenetic location: 8p21.3.
Variant type: single nucleotide variant.
Coding change: c.974G>A on transcript NM_139278.4 (MANE Select); coding-DNA position 974, G replaced by A.
Protein change: p.Arg325His; replaces arginine 325 with histidine.
Molecular consequence: missense variant.
Genome position (GRCh38, 1-based): chr8:22,148,833, C>T on the plus strand (G>A on the coding strand, the complement: LGI3 is on the minus strand). VCF-style: chr8-22148833-C-T. GRCh37 (hg19) VCF-style: chr8-22006346-C-T.
Other names: short protein forms R325H.
Identifiers: ClinVar variation 3390418 (VCV003390418.1).

ClinVar aggregate classification (germline): Uncertain significance (1 of 4 stars; one submission).

Submission:

GeneDx
Classification: Uncertain significance. Last evaluated: 2024-06-14. Review status: criteria provided, single submitter. Criteria: GeneDx Variant Classification Process June 2021. Collection method: clinical testing. Allele origin: germline. Affected: yes.
Comment: In silico analysis supports that this missense variant has a deleterious effect on protein structure/function; Has not been previously published as pathogenic or benign to our knowledge